The following is an entry in ClinVar:

NM_000179.3(MSH6):c.3198T>G (p.Tyr1066Ter)

Gene: MSH6 (mutS homolog 6; plus strand). Cytogenetic location: 2p16.3.
Variant type: single nucleotide variant.
Coding change: c.3198T>G on transcript NM_000179.3 (MANE Select); coding-DNA position 3198, T replaced by G.
Protein change: p.Tyr1066Ter; replaces tyrosine 1066 with a stop codon.
Molecular consequence: nonsense.
Genome position (GRCh38, 1-based): chr2:47,803,445, T>G. VCF-style: chr2-47803445-T-G. GRCh37 (hg19) VCF-style: chr2-48030584-T-G.
Other names: c.2808T>G, p.Tyr936Ter (NM_001281492.2); c.2292T>G, p.Tyr764Ter (NM_001281493.2, NM_001281494.2, NM_001406811.1 and 6 more transcripts); c.3294T>G, p.Tyr1098Ter (NM_001406795.1, NM_001406802.1); c.3198T>G, p.Tyr1066Ter (NM_001406796.1, NM_001406800.1, NM_001406808.1 and 1 more transcripts); c.2901T>G, p.Tyr967Ter (NM_001406797.1, NM_001406801.1, NM_001406805.1 and 10 more transcripts); c.2673T>G, p.Tyr891Ter (NM_001406799.1, NM_001406806.1, NM_001406807.1); c.2334T>G, p.Tyr778Ter (NM_001406803.1); c.3120T>G, p.Tyr1040Ter (NM_001406804.1); and 6 more; short protein forms Y1010*, Y1098*, Y15*, Y764*, Y891*, Y1040*, Y1066*, Y381*.
Identifiers: ClinVar variation 1728743 (VCV001728743.7), dbSNP rs199643502, ClinGen allele CA346757862.

ClinVar aggregate classification (germline): Pathogenic. Review status: criteria provided, multiple submitters, no conflicts (2 of 4 stars). 3 submissions from 3 submitters: Pathogenic (3). Last evaluated 2024-12-23.

Conditions:
Hereditary cancer-predisposing syndrome. Also called: Tumor predisposition; Neoplastic Syndromes, Hereditary; Hereditary Cancer Syndrome; Hereditary neoplastic syndrome. Identifiers: Orphanet 140162, MedGen C0027672, MeSH D009386, MONDO:0015356.
Hereditary nonpolyposis colorectal neoplasms. Identifiers: MedGen C0009405, MeSH D003123.
Lynch syndrome 5 (LYNCH5). Also called: Colorectal cancer, hereditary nonpolyposis, type 5; Hereditary non-polyposis colorectal cancer, type 5. Identifiers: Orphanet 144, MedGen C1833477, MONDO:0013710, OMIM 614350. Disease mechanism: loss of function.

Submissions (3):

Ambry Genetics
Classification: Pathogenic for Hereditary cancer-predisposing syndrome. Last evaluated: 2024-12-23. Review status: criteria provided, single submitter. Criteria: Ambry Variant Classification Scheme 2023. Collection method: clinical testing. Allele origin: germline.
Comment: The p.Y1066* pathogenic mutation (also known as c.3198T>G), located in coding exon 5 of the MSH6 gene, results from a T to G substitution at nucleotide position 3198. This changes the amino acid from a tyrosine to a stop codon within coding exon 5. This variant is considered to be rare based on population cohorts in the Genome Aggregation Database (gnomAD). This alteration is expected to result in loss of function by premature protein truncation or nonsense-mediated mRNA decay. As such, this alteration is interpreted as a disease-causing mutation.

Myriad Genetics, Inc.
Classification: Pathogenic for Lynch syndrome 5. Last evaluated: 2023-08-22. Review status: criteria provided, single submitter. Criteria: Myriad Autosomal Dominant, Autosomal Recessive and X-Linked Classification Criteria (2023). Collection method: clinical testing. Allele origin: unknown.
Comment: This variant is considered pathogenic. This variant creates a termination codon and is predicted to result in premature protein truncation.

Labcorp Genetics (formerly Invitae), Labcorp
Classification: Pathogenic for Hereditary nonpolyposis colorectal neoplasms. Last evaluated: 2023-04-23. Review status: criteria provided, single submitter. Criteria: Invitae Variant Classification Sherloc (09022015). Collection method: clinical testing. Allele origin: germline.
Comment: For these reasons, this variant has been classified as Pathogenic. ClinVar contains an entry for this variant (Variation ID: 1728743). This variant has not been reported in the literature in individuals affected with MSH6-related conditions. This variant is not present in population databases (gnomAD no frequency). This sequence change creates a premature translational stop signal (p.Tyr1066*) in the MSH6 gene. It is expected to result in an absent or disrupted protein product. Loss-of-function variants in MSH6 are known to be pathogenic (PMID: 18269114, 24362816).

Literature cited by the submitters: PubMed 18269114 (cited by Labcorp Genetics (formerly Invitae), Labcorp); PubMed 24362816 (cited by Labcorp Genetics (formerly Invitae), Labcorp).